The following is an entry in ClinVar:

NM_000448.3(RAG1):c.1560T>G (p.Phe520Leu)

Gene: RAG1 (recombination activating 1; plus strand). Cytogenetic location: 11p12.
Variant type: single nucleotide variant.
Coding change: c.1560T>G on transcript NM_000448.3 (MANE Select); coding-DNA position 1560, T replaced by G.
Protein change: p.Phe520Leu; replaces phenylalanine 520 with leucine.
Molecular consequence: missense variant.
Genome position (GRCh38, 1-based): chr11:36,574,864, T>G. VCF-style: chr11-36574864-T-G. GRCh37 (hg19) VCF-style: chr11-36596414-T-G.
Other names: c.1560T>G, p.Phe520Leu (NM_001377277.1, NM_001377278.1, NM_001377279.1 and 1 more transcripts); short protein forms F520L.
Identifiers: ClinVar variation 857691 (VCV000857691.10), dbSNP rs61758790, ClinGen allele CA220601030.

ClinVar aggregate classification (germline): Uncertain significance (1 of 4 stars; one submission).

Conditions:
Combined immunodeficiency with skin granulomas. Identifiers: Orphanet 157949, MedGen C2673536, MONDO:0009306, OMIM 233650.
Severe combined immunodeficiency, autosomal recessive, T cell-negative, B cell-negative, NK cell-positive. Also called: SCID, AR, T-cell negative, B-cell negative, NK cell-positive; SCID, T CELL-NEGATIVE, B CELL-NEGATIVE, NK CELL-POSITIVE; Severe combined immunodeficiency due to complete RAG1/2 deficiency. Identifiers: Orphanet 331206, MedGen C1832322, MONDO:0011086, OMIM 601457.

Submission:

Labcorp Genetics (formerly Invitae), Labcorp
Classification: Uncertain significance for Combined immunodeficiency with skin granulomas; Severe combined immunodeficiency, autosomal recessive, T cell-negative, B cell-negative, NK cell-positive. Last evaluated: 2019-12-27. Review status: criteria provided, single submitter. Criteria: Invitae Variant Classification Sherloc (09022015). Collection method: clinical testing. Allele origin: germline.
Comment: Algorithms developed to predict the effect of missense changes on protein structure and function are either unavailable or do not agree on the potential impact of this missense change (SIFT: "Deleterious"; PolyPhen-2: "Probably Damaging"; Align-GVGD: "Class C0"). This variant has not been reported in the literature in individuals with RAG1-related conditions. This variant is not present in population databases (ExAC no frequency). This sequence change replaces phenylalanine with leucine at codon 520 of the RAG1 protein (p.Phe520Leu). The phenylalanine residue is highly conserved and there is a small physicochemical difference between phenylalanine and leucine. In summary, the available evidence is currently insufficient to determine the role of this variant in disease. Therefore, it has been classified as a Variant of Uncertain Significance.